The following is an entry in ClinVar:

NM_001394998.1(TANC2):c.4786G>A (p.Gly1596Arg)

Gene: TANC2 (tetratricopeptide repeat, ankyrin repeat and coiled-coil containing 2; plus strand). Cytogenetic location: 17q23.3.
Variant type: single nucleotide variant.
Coding change: c.4786G>A on transcript NM_001394998.1 (MANE Select); coding-DNA position 4786, G replaced by A.
Protein change: p.Gly1596Arg; replaces glycine 1596 with arginine.
Molecular consequence: missense variant.
Genome position (GRCh38, 1-based): chr17:63,420,516, G>A. VCF-style: chr17-63420516-G-A. GRCh37 (hg19) VCF-style: chr17-61497877-G-A.
Other names: c.4564G>A, p.Gly1522Arg (NM_001411076.1); c.4534G>A, p.Gly1512Arg (NM_025185.4); short protein forms G1512R, G1596R, G1522R.
Identifiers: ClinVar variation 2229697 (VCV002229697.3), dbSNP rs2510594434, ClinGen allele CA400542500.

ClinVar aggregate classification (germline): Uncertain significance. Review status: criteria provided, multiple submitters, no conflicts (2 of 4 stars). 2 submissions from 2 submitters: Uncertain significance (2). Last evaluated 2025-04-19.

Conditions:
Inborn genetic diseases. Identifiers: MedGen C0950123, MeSH D030342.

Submissions (2):

GeneDx
Classification: Uncertain significance. Last evaluated: 2025-04-19. Review status: criteria provided, single submitter. Criteria: GeneDx Variant Classification Process June 2021. Collection method: clinical testing. Allele origin: germline. Affected: yes.
Comment: Not observed at significant frequency in large population cohorts (gnomAD); In silico analysis indicates that this missense variant does not alter protein structure/function; Has not been previously published as pathogenic or benign to our knowledge

Ambry Genetics
Classification: Uncertain significance for Inborn genetic diseases. Last evaluated: 2021-02-22. Review status: criteria provided, single submitter. Criteria: Ambry Variant Classification Scheme 2023. Collection method: clinical testing. Allele origin: germline.